The following is an entry in ClinVar:

NM_000051.4(ATM):c.4531G>C (p.Asp1511His)

Gene: ATM (ATM serine/threonine kinase; plus strand). Cytogenetic location: 11q22.3.
Variant type: single nucleotide variant.
Coding change: c.4531G>C on transcript NM_000051.4 (MANE Select); coding-DNA position 4531, G replaced by C.
Protein change: p.Asp1511His; replaces aspartic acid 1511 with histidine.
Molecular consequence: missense variant.
Genome position (GRCh38, 1-based): chr11:108,292,713, G>C. VCF-style: chr11-108292713-G-C. GRCh37 (hg19) VCF-style: chr11-108163440-G-C.
Other names: c.4531G>C, p.Asp1511His (NM_001351834.2); short protein forms D1511H.
Identifiers: ClinVar variation 1392767 (VCV001392767.6), dbSNP rs2135800277, ClinGen allele CA382533707.

ClinVar aggregate classification (germline): Uncertain significance (1 of 4 stars; one submission).

Conditions:
Ataxia-telangiectasia syndrome (AT). Also called: Ataxia-telangiectasia, complementation group D; Ataxia telangiectasia (A-T); Cerebello-oculocutaneous telangiectasia; Immunodeficiency with ataxia telangiectasia; ATAXIA-TELANGIECTASIA, COMPLEMENTATION GROUP A; ATAXIA-TELANGIECTASIA, FRESNO VARIANT. Identifiers: Orphanet 100, MedGen C0004135, MONDO:0008840, OMIM 208900.

Submission:

Labcorp Genetics (formerly Invitae), Labcorp
Classification: Uncertain significance for Ataxia-telangiectasia syndrome. Last evaluated: 2021-11-12. Review status: criteria provided, single submitter. Criteria: Invitae Variant Classification Sherloc (09022015). Collection method: clinical testing. Allele origin: germline.
Comment: This sequence change replaces aspartic acid, which is acidic and polar, with histidine, which is basic and polar, at codon 1511 of the ATM protein (p.Asp1511His). This variant is not present in population databases (gnomAD no frequency). This variant has not been reported in the literature in individuals affected with ATM-related conditions. Advanced modeling of protein sequence and biophysical properties (such as structural, functional, and spatial information, amino acid conservation, physicochemical variation, residue mobility, and thermodynamic stability) performed at Invitae indicates that this missense variant is not expected to disrupt ATM protein function. In summary, the available evidence is currently insufficient to determine the role of this variant in disease. Therefore, it has been classified as a Variant of Uncertain Significance.